The following is an entry in ClinVar:

NM_016203.4(PRKAG2):c.347G>T (p.Arg116Leu)

Gene: PRKAG2 (protein kinase AMP-activated non-catalytic subunit gamma 2; minus strand). Cytogenetic location: 7q36.1.
Variant type: single nucleotide variant.
Coding change: c.347G>T on transcript NM_016203.4 (MANE Select); coding-DNA position 347, G replaced by T.
Protein change: p.Arg116Leu; replaces arginine 116 with leucine.
Molecular consequence: missense variant.
Genome position (GRCh38, 1-based): chr7:151,781,271, C>A on the plus strand (G>T on the coding strand, the complement: PRKAG2 is on the minus strand). VCF-style: chr7-151781271-C-A. GRCh37 (hg19) VCF-style: chr7-151478357-C-A.
Other names: c.215G>T, p.Arg72Leu (NM_001040633.2); short protein forms R116L, R72L.
Identifiers: ClinVar variation 937188 (VCV000937188.13), dbSNP rs369471907, ClinGen allele CA056864.

ClinVar aggregate classification (germline): Conflicting classifications of pathogenicity. Review status: criteria provided, conflicting classifications (1 of 4 stars). 4 submissions from 4 submitters: Uncertain significance (2); Likely benign (2). Last evaluated 2025-05-09.

Conditions:
Lethal congenital glycogen storage disease of heart. Also called: PHOSPHORYLASE KINASE DEFICIENCY OF HEART; GLYCOGEN STORAGE DISEASE OF HEART. Identifiers: Orphanet 439854, MedGen C1849813, MONDO:0009867, OMIM 261740.
Cardiovascular phenotype. Identifiers: MedGen CN230736.
Cardiomyopathy (CMYO). Also called: Cardiomyopathies. Identifiers: Orphanet 167848, MedGen C0878544, MONDO:0004994, HP:0001638. Inheritance: Various modes of inheritance.

Allele frequency attached by ClinVar (database versions not stated): gnomAD 0.00001; TOPMed 0.00001; ESP Exome Variant Server 0.00008.
gnomAD v4.1: 6 of 1,613,938 alleles (0.00037%); highest among the groups gnomAD compares: African/African-American, 0.0027%; no homozygotes.

Submissions (4):

Ambry Genetics
Classification: Uncertain significance for Cardiovascular phenotype. Last evaluated: 2025-05-09. Review status: criteria provided, single submitter. Criteria: Ambry Variant Classification Scheme 2023. Collection method: clinical testing. Allele origin: germline.
Comment: The p.R116L variant (also known as c.347G>T), located in coding exon 3 of the PRKAG2 gene, results from a G to T substitution at nucleotide position 347. The arginine at codon 116 is replaced by leucine, an amino acid with dissimilar properties. This amino acid position is well conserved in available vertebrate species. In addition, the in silico prediction for this alteration is inconclusive. Since supporting evidence is limited at this time, the clinical significance of this alteration remains unclear.

Labcorp Genetics (formerly Invitae), Labcorp
Classification: Likely benign for Lethal congenital glycogen storage disease of heart. Last evaluated: 2025-03-11. Review status: criteria provided, single submitter. Criteria: Invitae Variant Classification Sherloc (09022015). Collection method: clinical testing. Allele origin: germline.

Color Diagnostics, LLC DBA Color Health
Classification: Uncertain significance for Cardiomyopathy. Last evaluated: 2024-07-23. Review status: criteria provided, single submitter. Criteria: ACMG Guidelines, 2015. Collection method: clinical testing. Allele origin: germline.
Comment: This missense variant replaces arginine with leucine at codon 116 of the PRKAG2 protein. Computational prediction suggests that this variant may not impact protein structure and function. To our knowledge, functional studies have not been reported for this variant. This variant has not been reported in individuals affected with PRKAG2-related disorders in the literature. This variant has been identified in 2/251226 chromosomes in the general population by the Genome Aggregation Database (gnomAD). The available evidence is insufficient to determine the role of this variant in disease conclusively. Therefore, this variant is classified as a Variant of Uncertain Significance.

Blueprint Genetics
Classification: Likely benign. Last evaluated: 2023-02-16. Review status: criteria provided, single submitter. Criteria: ACMG Guidelines, 2015. Collection method: clinical testing. Allele origin: germline.